The following is an entry in ClinVar:

NM_001039141.3(TRIOBP):c.1150C>T (p.Gln384Ter)

Gene: TRIOBP (TRIO and F-actin binding protein; plus strand). Cytogenetic location: 22q13.1.
Variant type: single nucleotide variant.
Coding change: c.1150C>T on transcript NM_001039141.3 (MANE Select); coding-DNA position 1150, C replaced by T.
Protein change: p.Gln384Ter; replaces glutamine 384 with a stop codon.
Molecular consequence: nonsense.
Genome position (GRCh38, 1-based): chr22:37,723,706, C>T. VCF-style: chr22-37723706-C-T. GRCh37 (hg19) VCF-style: chr22-38119713-C-T.
Other names: short protein forms Q384*.
Identifiers: ClinVar variation 3601946 (VCV003601946.1).
Genomic context (GRCh38, chr22:37,723,706, plus strand): 5'-CCCCAAACTTCTTTTCCTACTTGTACTCCCCAGCGGGAAAACCCCAGGACACCCTGTGTC[C>T]AGCAGGACGATCCCAGAGCCTCCTCTCCCAACAGAACCACTCAACGAGAGAATTCCAGAA-3'

ClinVar aggregate classification (germline): Pathogenic (1 of 4 stars; one submission).

Conditions:
Autosomal recessive nonsyndromic hearing loss 28. Identifiers: Orphanet 90636, MedGen C1853276, MONDO:0012355, OMIM 609823.

Submission:

Institute of Rare Diseases, West China Hospital, Sichuan University
Classification: Pathogenic for Autosomal recessive nonsyndromic hearing loss 28. Last evaluated: 2025-01-09. Review status: criteria provided, single submitter. Criteria: ClinGen HL ACMG Specifications v1. Collection method: research. Allele origin: germline. Affected: yes.
Comment: PVS1;PM3;PM2_Supporting